The following is an entry in ClinVar:

NM_001099274.3(TINF2):c.763G>C (p.Gly255Arg)

Gene: TINF2 (TERF1 interacting nuclear factor 2; minus strand). Cytogenetic location: 14q12.
Variant type: single nucleotide variant.
Coding change: c.763G>C on transcript NM_001099274.3 (MANE Select); coding-DNA position 763, G replaced by C.
Protein change: p.Gly255Arg; replaces glycine 255 with arginine.
Molecular consequence: missense variant.
Genome position (GRCh38, 1-based): chr14:24,240,717, C>G on the plus strand (G>C on the coding strand, the complement: TINF2 is on the minus strand). VCF-style: chr14-24240717-C-G. GRCh37 (hg19) VCF-style: chr14-24709923-C-G.
Other names: c.658G>C, p.Gly220Arg (NM_001363668.2); c.763G>C, p.Gly255Arg (NM_012461.3); short protein forms G220R, G255R.
Identifiers: ClinVar variation 2446323 (VCV002446323.1), dbSNP rs1165489480, ClinGen allele CA389226564.

ClinVar aggregate classification (germline): Uncertain significance (1 of 4 stars; one submission).

Allele frequency attached by ClinVar (database versions not stated): gnomAD 0.00001.
gnomAD v4.1: 1 of 1,613,528 alleles (0.000062%); highest among the groups gnomAD compares: African/African-American, 0.0013%; no homozygotes.

Submission:

GeneDx
Classification: Uncertain significance. Last evaluated: 2022-09-26. Review status: criteria provided, single submitter. Criteria: GeneDx Variant Classification Process June 2021. Collection method: clinical testing. Allele origin: germline. Affected: yes.
Comment: Not observed at significant frequency in large population cohorts (gnomAD); In silico analysis supports that this missense variant has a deleterious effect on protein structure/function; Has not been previously published as pathogenic or benign to our knowledge